The following is an entry in ClinVar:

NM_015202.5(KATNIP):c.4580A>G (p.Asn1527Ser)

Gene: KATNIP (katanin interacting protein; plus strand). Cytogenetic location: 16p12.1.
Variant type: single nucleotide variant.
Coding change: c.4580A>G on transcript NM_015202.5 (MANE Select); coding-DNA position 4580, A replaced by G.
Protein change: p.Asn1527Ser; replaces asparagine 1527 with serine.
Molecular consequence: missense variant.
Genome position (GRCh38, 1-based): chr16:27,777,638, A>G. VCF-style: chr16-27777638-A-G. GRCh37 (hg19) VCF-style: chr16-27788959-A-G.
Other names: short protein forms N1527S.
Identifiers: ClinVar variation 1901614 (VCV001901614.5), dbSNP rs138697665, ClinGen allele CA7978701.

ClinVar aggregate classification (germline): Uncertain significance (1 of 4 stars; one submission).

Allele frequency attached by ClinVar (database versions not stated): ExAC 0.00004; ESP Exome Variant Server 0.00008.
gnomAD v4.1: 79 of 1,613,088 alleles (0.0049%); highest among the groups gnomAD compares: Admixed American, 0.0033%; no homozygotes.

Submission:

Labcorp Genetics (formerly Invitae), Labcorp
Classification: Uncertain significance. Last evaluated: 2022-07-21. Review status: criteria provided, single submitter. Criteria: Invitae Variant Classification Sherloc (09022015). Collection method: clinical testing. Allele origin: germline.
Comment: Algorithms developed to predict the effect of missense changes on protein structure and function are either unavailable or do not agree on the potential impact of this missense change (SIFT: "Tolerated"; PolyPhen-2: "Possibly Damaging"; Align-GVGD: "Class C0"). In summary, the available evidence is currently insufficient to determine the role of this variant in disease. Therefore, it has been classified as a Variant of Uncertain Significance. This variant has not been reported in the literature in individuals affected with KIAA0556-related conditions. This variant is present in population databases (rs138697665, gnomAD 0.06%). This sequence change replaces asparagine, which is neutral and polar, with serine, which is neutral and polar, at codon 1527 of the KIAA0556 protein (p.Asn1527Ser).